The following is an entry in ClinVar:

NM_020884.7(MYH7B):c.1147+6G>A

Gene: MYH7B (myosin heavy chain 7B; plus strand). Cytogenetic location: 20q11.22.
Variant type: single nucleotide variant.
Coding change: c.1147+6G>A on transcript NM_020884.7 (MANE Select); 6 bases into the intron after coding-DNA position 1147, G replaced by A.
Molecular consequence: intron variant.
Genome position (GRCh38, 1-based): chr20:34,987,293, G>A. VCF-style: chr20-34987293-G-A. GRCh37 (hg19) VCF-style: chr20-33575096-G-A.
Identifiers: ClinVar variation 4754081 (VCV004754081.1).

ClinVar aggregate classification (germline): Uncertain significance (1 of 4 stars; one submission).

gnomAD v4.1: 65 of 1,609,790 alleles (0.004%); highest among the groups gnomAD compares: Non-Finnish European, 0.0049%; 1 homozygote.

Submission:

Labcorp Genetics (formerly Invitae), Labcorp
Classification: Uncertain significance. Last evaluated: 2025-05-11. Review status: criteria provided, single submitter. Criteria: Invitae Variant Classification Sherloc (09022015). Collection method: clinical testing. Allele origin: germline.
Comment: This sequence change falls in intron 16 of the MYH7B gene. It does not directly change the encoded amino acid sequence of the MYH7B protein. It affects a nucleotide within the consensus splice site. This variant is present in population databases (rs369650979, gnomAD 0.004%). This variant has not been reported in the literature in individuals affected with MYH7B-related conditions. Variants that disrupt the consensus splice site are a relatively common cause of aberrant splicing (PMID: 17576681, 9536098). Algorithms developed to predict the effect of sequence changes on RNA splicing suggest that this variant is not likely to affect RNA splicing. In summary, the available evidence is currently insufficient to determine the role of this variant in disease. Therefore, it has been classified as a Variant of Uncertain Significance.

Literature cited by the submitters: PubMed 17576681; PubMed 9536098.